The following is an entry in ClinVar:

NM_004086.3(COCH):c.149G>A (p.Cys50Tyr)

Genes: COCH (cochlin; plus strand), LOC100506071 (uncharacterized LOC100506071; minus strand). Cytogenetic location: 14q12.
Variant type: single nucleotide variant.
Coding change: c.149G>A on transcript NM_004086.3 (MANE Select); coding-DNA position 149, G replaced by A.
Protein change: p.Cys50Tyr; replaces cysteine 50 with tyrosine.
Molecular consequence: missense variant.
Genome position (GRCh38, 1-based): chr14:30,877,638, G>A. VCF-style: chr14-30877638-G-A. GRCh37 (hg19) VCF-style: chr14-31346844-G-A.
Other names: c.149G>A, p.Cys50Tyr (NM_001135058.2); c.344G>A, p.Cys115Tyr (NM_001347720.2); short protein forms C115Y, C50Y.
Identifiers: ClinVar variation 2663522 (VCV002663522.1), dbSNP rs1458822136, ClinGen allele CA389344061.
Genomic context (GRCh38, chr14:30,877,638, plus strand): 5'-TTGCTATCACATGTTTTACCAGAGGCTTGGACATCAGGAAAGAGAAAGCAGATGTCCTCT[G>A]CCCAGGGGGCTGCCCTCTTGAGGAATTCTCTGTGTATGGGAACATAGTATATGCTTCTGT-3'
Protein context (NP_004077.1, residues 40-60): DIRKEKADVL[Cys50Tyr]PGGCPLEEFS

ClinVar aggregate classification (germline): Uncertain significance (1 of 4 stars; one submission).

Allele frequency attached by ClinVar (database versions not stated): gnomAD exomes below 0.00001; TOPMed 0.00001.
gnomAD v4.1: 1 of 1,614,192 alleles (0.000062%); highest among the groups gnomAD compares: Non-Finnish European, 0.000085%; no homozygotes.

Submission:

GeneDx
Classification: Uncertain significance. Last evaluated: 2023-04-20. Review status: criteria provided, single submitter. Criteria: GeneDx Variant Classification Process June 2021. Collection method: clinical testing. Allele origin: germline. Affected: yes.
Comment: Not observed at significant frequency in large population cohorts (gnomAD); In silico analysis supports that this missense variant has a deleterious effect on protein structure/function; Has not been previously published as pathogenic or benign to our knowledge